The following is an entry in ClinVar:

NM_007272.3(CTRC):c.760C>T (p.Arg254Trp)

Gene: CTRC (chymotrypsin C; plus strand). Cytogenetic location: 1p36.21.
Variant type: single nucleotide variant.
Coding change: c.760C>T on transcript NM_007272.3 (MANE Select); coding-DNA position 760, C replaced by T.
Protein change: p.Arg254Trp; replaces arginine 254 with tryptophan.
Molecular consequence: missense variant.
Genome position (GRCh38, 1-based): chr1:15,445,717, C>T. VCF-style: chr1-15445717-C-T. GRCh37 (hg19) VCF-style: chr1-15772212-C-T.
Other names: short protein forms R254W.
Identifiers: ClinVar variation 8178 (VCV000008178.61), dbSNP rs121909293, ClinGen allele CA119351.

ClinVar aggregate classification (germline): Conflicting classifications of pathogenicity; association. Review status: criteria provided, conflicting classifications (1 of 4 stars). 12 submissions from 12 submitters: Pathogenic (1); Likely pathogenic (3); Uncertain significance (4); Benign (1). 2 of the submissions do not count toward it. Last evaluated 2026-04-29.

Conditions:
Hereditary pancreatitis (PCTT). Also called: Hereditary chronic pancreatitis; PRSS1-Related Hereditary Pancreatitis. Identifiers: Orphanet 676, MedGen C0238339, MONDO:0008185, OMIM 167800.
Pancreatitis, chronic, susceptibility to. Identifiers: MedGen C1969419.

Allele frequency attached by ClinVar (database versions not stated): 1000 Genomes Project 30x 0.00141; 1000 Genomes Project 0.00160; gnomAD 0.00374 and 0.00386; gnomAD exomes 0.00443 and 0.00374; TOPMed 0.00174; ExAC 0.00400.
gnomAD v4.1: 5,937 of 1,614,198 alleles (0.37%); highest among the groups gnomAD compares: Non-Finnish European, 0.35%; 33 homozygotes.

Submissions (12):

Ambry Genetics
Classification: Pathogenic for Hereditary pancreatitis. Last evaluated: 2026-04-29. Review status: criteria provided, single submitter. Criteria: Ambry Variant Classification Scheme 2023. Collection method: clinical testing. Allele origin: germline.
Comment: The c.760C>T (p.R254W) alteration is located in exon 7 (coding exon 7) of the CTRC gene. This alteration results from a C to T substitution at nucleotide position 760, causing the arginine (R) at amino acid position 254 to be replaced by a tryptophan (W). Based on data from gnomAD, the T allele has an overall frequency of 0.462% (1305/282668) total alleles studied. The highest observed frequency was 2.457% (616/25074) of European (Finnish) alleles. This variant has been shown to be over-represented in individuals with idiopathic or hereditary chronic pancreatitis (Rosendahl, 2008). Another study found this variant in 2.07% of affected individuals versus 0.57% of control individuals (Beer, 2013). This amino acid position is well conserved in available vertebrate species. In multiple assays testing CTRC function, this variant showed functionally abnormal results (Rosendahl, 2008; Beer, 2013). This alteration is predicted to be deleterious by in silico analysis. Based on the available evidence, this alteration is classified as pathogenic.

Labcorp Genetics (formerly Invitae), Labcorp
Classification: association for Hereditary pancreatitis. Last evaluated: 2026-01-27. Review status: criteria provided, single submitter. Criteria: Invitae Variant Classification Sherloc (09022015). Collection method: clinical testing. Allele origin: germline.
Comment: This sequence change replaces arginine, which is basic and polar, with tryptophan, which is neutral and slightly polar, at codon 254 of the CTRC protein (p.Arg254Trp). This variant is present in population databases (rs121909293, gnomAD 2.5%), and has an allele count higher than expected for a pathogenic variant. This missense change has been observed in individual(s) with chronic pancreatitis and in unaffected controls. Overall it has been reported to confer an approximately 3-fold increased risk for chronic pancreatitis in heterozygous carriers (PMID: 18059268, 18172691, 22427236, 22942235, 25569187). ClinVar contains an entry for this variant (Variation ID: 8178). Invitae Evidence Modeling of protein sequence and biophysical properties (such as structural, functional, and spatial information, amino acid conservation, physicochemical variation, residue mobility, and thermodynamic stability) indicates that this missense variant is expected to disrupt CTRC protein function with a positive predictive value of 95%. Experimental studies have shown that this missense change affects CTRC function (PMID: 18059268, 19453252). In summary, this is a common variant that is associated with an increased risk for developing disease. For these reasons, this variant has been classified as an Increased Risk Allele.

ARUP Laboratories, Molecular Genetics and Genomics, ARUP Laboratories
Classification: Likely pathogenic for Hereditary pancreatitis. Last evaluated: 2025-06-25. Review status: criteria provided, single submitter. Criteria: ARUP Molecular Germline Variant Investigation Process 2024. Collection method: clinical testing. Allele origin: germline.
Comment: The CTRC c.760C>T; p.Arg254Trp variant (rs121909293, ClinVar Variation ID: 8178) has been reported in multiple individuals with chronic, hereditary, or recurrent acute pancreatitis, both in the homozygous state and in individuals carrying a second pathogenic variant (Beer 2013, Felderbauer 2010, Giefer 2017, Grabarczyk 2017, LaRusch 2015, Masamune 2013, Masson 2008, Rosendahl 2008, Rosendahl 2013). Functional characterization of p.Arg254Trp indicates a moderate reduction in the level of secreted CTRC protein, but no impact on enzymatic activity (Beer 2013, Rosendahl 2008), leading to its designation as a moderate-to-low-risk variant (Beer 2013). The variant is found in the general population with an overall allele frequency of 0.46% (1305/282668 alleles, including 12 homozygotes) in the Genome Aggregation Database (v2.1.1). However, it is reported to be at a higher frequency in affected European individuals compared to controls (Beer 2013, Masson 2008, Rosendahl 2008, Rosendahl 2013), and to co-occur at increased frequency with the SPINK1 p.Asn34Ser variant in affected individuals (Rosendahl 2008). The arginine at residue 254 is moderately conserved, and computational analyses predict that this variant is deleterious (REVEL: 0.809). Based on available information, this variant is considered to be likely pathogenic. References: Beer S et al. Comprehensive functional analysis of chymotrypsin C (CTRC) variants reveals distinct loss-of-function mechanisms associated with pancreatitis risk. Gut. 2013; 62(11):1616-24. PMID: 22942235 Felderbauer P et al. Multifactorial genesis of pancreatitis in primary hyperparathyroidism: evidence for "protective" (PRSS2) and "destructive" (CTRC) genetic factors. Exp Clin Endocrinol Diabetes. 2011 Jan;119(1):26-9. doi: 10.1055/s-0030-1255106. Epub 2010 Jul 12. PMID: 20625975. Giefer MJ et al. Early-Onset Acute Recurrent and Chronic Pancreatitis Is Associated with PRSS1 or CTRC Gene Mutations. J Pediatr. 2017 Jul;186:95-100. PMID: 28502372 Grabarczyk AM, et al. Chymotrypsinogen C Genetic Variants, Including c.180TT, Are Strongly Associated With Chronic Pancreatitis in Pediatric Patients. J Pediatr Gastroenterol Nutr. 2017 Dec;65(6):652-657. PMID: 28968289. LaRusch J et al. The Common Chymotrypsinogen C (CTRC) Variant G60G (C.180T) Increases Risk of Chronic Pancreatitis But Not Recurrent Acute Pancreatitis in a North American Population. Clin Transl Gastroenterol. 2015 Jan 8;6:e68. PMID: 25569187 Masamune A et al. Identification of novel missense CTRC variants in Japanese patients with chronic pancreatitis. Gut. 2013; 62(4):653-4. PMID: 23135764 Masson E et al. Association of rare chymotrypsinogen C (CTRC) gene variations in patients with idiopathic chronic pancreatitis. Hum Genet. 2008; 123(1):83-91. PMID: 18172691 Rosendahl J et al. CFTR, SPINK1, CTRC and PRSS1 variants in chronic pancreatitis: is the role of mutated CFTR overestimated? Gut. 2013 Apr;62(4):582-92. PMID: 22427236 Rosendahl J et al. Chymotrypsin C (CTRC) variants that diminish activity or secretion are associated with chronic pancreatitis. Nat Genet. 2008; 40(1):78-82. PMID: 18059268

Clinical Genetics Laboratory, Skane University Hospital Lund
Classification: Likely pathogenic for Pancreatitis, chronic, susceptibility to. Last evaluated: 2025-03-31. Review status: criteria provided, single submitter. Criteria: ACMG Guidelines, 2015. Collection method: clinical testing. Allele origin: germline. Affected: yes.
Comment: Risk factor for chronic pancreatitis, associated with approximately 3-fold increased risk.

Illumina Laboratory Services, Illumina
Classification: Uncertain significance for Hereditary pancreatitis. Last evaluated: 2024-02-13. Review status: criteria provided, single submitter. Criteria: ISL SNV Classification Criteria 03 February 2026. Collection method: clinical testing. Allele origin: unknown.
Comment: The CTRC c.760C>T p.(Arg254Trp) missense variant has been reported in the literature where it was found in both individuals with hereditary pancreatitis and healthy controls (PMID: 32045777; PMID: 18059268). The variant has been shown to confer an increased risk for chronic pancreatitis in heterozygous carriers and is considered a likely risk allele (PMID: 18172691; 32948427). The highest frequency of this allele in the Genome Aggregation Database is 0.02336 in the European (Finnish) population (version 4.0.0), which is higher than expected for a pathogenic variant in this gene and includes 33 homozygotes. This variant is located in a known functional domain. Functional studies in human cell lines demonstrated that the variant results in reduction secretion of CTRC protein (PMID: 18059268). Multiple lines of computational evidence suggest the variant may impact the gene or gene product. Based on the available evidence, the c.760C>T p.(Arg254Trp) variant is classified as an increased risk allele.

CeGaT Center for Human Genetics Tuebingen
Classification: Benign. Last evaluated: 2024-02-01. Review status: criteria provided, single submitter. Criteria: CeGaT Center For Human Genetics Tuebingen Variant Classification Criteria Version 2. Collection method: clinical testing. Allele origin: germline. Affected: yes. Observed: 4 variant alleles.
Comment: CTRC: BS1, BS2

Department of Pathology and Laboratory Medicine, Sinai Health System
Classification: Uncertain significance for Hereditary pancreatitis. Last evaluated: 2023-05-09. Review status: criteria provided, single submitter. Criteria: ACMG Guidelines, 2015. Collection method: research. Allele origin: germline.

Eurofins-Biomnis
Classification: Likely pathogenic for Hereditary pancreatitis. Last evaluated: 2022-12-01. Review status: criteria provided, single submitter. Criteria: Accession Criteria ClinVar Biomnis. Collection method: clinical testing. Allele origin: germline. Affected: yes. Observed: 1 heterozygote.

Institute of Human Genetics, University of Leipzig Medical Center
Classification: Uncertain significance for Hereditary pancreatitis. Last evaluated: 2022-05-18. Review status: criteria provided, single submitter. Criteria: ACMG Guidelines, 2015. Collection method: clinical testing. Allele origin: unknown. Inheritance: Autosomal dominant inheritance. Affected: yes.
Comment: Criteria applied: PS3,PM1,PP3,BA1

Mendelics
Classification: Uncertain significance. Last evaluated: 2022-05-04. Review status: criteria provided, single submitter. Criteria: Mendelics Assertion Criteria 2019. Collection method: clinical testing. Allele origin: germline.

OMIM
Classification: risk factor for PANCREATITIS, CHRONIC, SUSCEPTIBILITY TO. Last evaluated: 2008-02-01. Review status: no assertion criteria provided. Collection method: literature only. Allele origin: germline. Not counted in ClinVar's aggregate classification.

GeneReviews
No classification provided. Condition: Hereditary pancreatitis. Review status: no classification provided. Collection method: literature only. Allele origin: germline. Affected: yes. Not counted in ClinVar's aggregate classification.

Literature cited by the submitters: PubMed 18059268 (cited by 4 submitters); PubMed 22942235 (cited by Ambry Genetics and Labcorp Genetics (formerly Invitae), Labcorp); PubMed 18172691 (cited by 3 submitters); PubMed 22427236 (cited by Labcorp Genetics (formerly Invitae), Labcorp); PubMed 25569187 (cited by Labcorp Genetics (formerly Invitae), Labcorp); PubMed 19453252 (cited by Labcorp Genetics (formerly Invitae), Labcorp); PubMed 21631589 (cited by Illumina Laboratory Services, Illumina).